The following is an entry in ClinVar:

NM_170707.4(LMNA):c.1616C>T (p.Ala539Val)

Gene: LMNA (lamin A/C; plus strand). Cytogenetic location: 1q22.
Variant type: single nucleotide variant.
Coding change: c.1616C>T on transcript NM_170707.4 (MANE Select); coding-DNA position 1616, C replaced by T.
Protein change: p.Ala539Val; replaces alanine 539 with valine.
Molecular consequence: missense variant. On other transcripts: intron variant (1).
Genome position (GRCh38, 1-based): chr1:156,137,661, C>T. VCF-style: chr1-156137661-C-T. GRCh37 (hg19) VCF-style: chr1-156107452-C-T.
Other names: c.1280C>T, p.Ala427Val (NM_001257374.3); c.1373C>T, p.Ala458Val (NM_001282624.2); c.1616C>T, p.Ala539Val (NM_001282625.2, NM_001282626.2, NM_005572.4); c.1608+429C>T (NM_170708.4); short protein forms A427V, A539V, A458V.
Identifiers: ClinVar variation 944956 (VCV000944956.1), dbSNP rs1651778506, ClinGen allele CA342825326.

ClinVar aggregate classification (germline): Uncertain significance (1 of 4 stars; one submission).

Conditions:
Charcot-Marie-Tooth disease type 2. Also called: Charcot-Marie-Tooth type 2. Identifiers: Orphanet 64746, MedGen C0270914, MONDO:0018993.

Submission:

Labcorp Genetics (formerly Invitae), Labcorp
Classification: Uncertain significance for Charcot-Marie-Tooth disease type 2. Last evaluated: 2019-04-03. Review status: criteria provided, single submitter. Criteria: Invitae Variant Classification Sherloc (09022015). Collection method: clinical testing. Allele origin: germline.
Comment: This sequence change replaces alanine with valine at codon 539 of the LMNA protein (p.Ala539Val). The alanine residue is highly conserved and there is a small physicochemical difference between alanine and valine. This variant is not present in population databases (ExAC no frequency). This variant has not been reported in the literature in individuals with LMNA-related conditions. Algorithms developed to predict the effect of missense changes on protein structure and function (SIFT, PolyPhen-2, Align-GVGD) all suggest that this variant is likely to be disruptive, but these predictions have not been confirmed by published functional studies and their clinical significance is uncertain. In summary, the available evidence is currently insufficient to determine the role of this variant in disease. Therefore, it has been classified as a Variant of Uncertain Significance.